The following is an entry in ClinVar:

NM_000098.3(CPT2):c.1670T>A (p.Phe557Tyr)

Gene: CPT2 (carnitine palmitoyltransferase 2; plus strand). Cytogenetic location: 1p32.3.
Variant type: single nucleotide variant.
Coding change: c.1670T>A on transcript NM_000098.3 (MANE Select); coding-DNA position 1670, T replaced by A.
Protein change: p.Phe557Tyr; replaces phenylalanine 557 with tyrosine.
Molecular consequence: missense variant.
Genome position (GRCh38, 1-based): chr1:53,213,288, T>A. VCF-style: chr1-53213288-T-A. GRCh37 (hg19) VCF-style: chr1-53678960-T-A.
Other names: c.1601T>A, p.Phe534Tyr (NM_001330589.2); short protein forms F534Y, F557Y.
Identifiers: ClinVar variation 1362042 (VCV001362042.6), dbSNP rs2100278300, ClinGen allele CA340397407.

ClinVar aggregate classification (germline): Uncertain significance (1 of 4 stars; one submission).

Conditions:
Carnitine palmitoyltransferase II deficiency. Also called: Carnitine Palmitoyltransferase 2 Deficiency. Identifiers: Orphanet 157, MedGen C0342790, MONDO:0015515.

Submission:

Labcorp Genetics (formerly Invitae), Labcorp
Classification: Uncertain significance for Carnitine palmitoyltransferase II deficiency. Last evaluated: 2021-08-19. Review status: criteria provided, single submitter. Criteria: Invitae Variant Classification Sherloc (09022015). Collection method: clinical testing. Allele origin: germline.
Comment: In summary, the available evidence is currently insufficient to determine the role of this variant in disease. Therefore, it has been classified as a Variant of Uncertain Significance. Advanced modeling of protein sequence and biophysical properties (such as structural, functional, and spatial information, amino acid conservation, physicochemical variation, residue mobility, and thermodynamic stability) performed at Invitae indicates that this missense variant is not expected to disrupt CPT2 protein function. This variant has not been reported in the literature in individuals affected with CPT2-related conditions. This variant is not present in population databases (ExAC no frequency). This sequence change replaces phenylalanine with tyrosine at codon 557 of the CPT2 protein (p.Phe557Tyr). The phenylalanine residue is moderately conserved and there is a small physicochemical difference between phenylalanine and tyrosine.